The following is an entry in ClinVar:

NM_015466.4(PTPN23):c.4766C>G (p.Ser1589Cys)

Gene: PTPN23 (protein tyrosine phosphatase non-receptor type 23; plus strand). Cytogenetic location: 3p21.31.
Variant type: single nucleotide variant.
Coding change: c.4766C>G on transcript NM_015466.4 (MANE Select); coding-DNA position 4766, C replaced by G.
Protein change: p.Ser1589Cys; replaces serine 1589 with cysteine.
Molecular consequence: missense variant.
Genome position (GRCh38, 1-based): chr3:47,413,040, C>G. VCF-style: chr3-47413040-C-G. GRCh37 (hg19) VCF-style: chr3-47454530-C-G.
Other names: c.4388C>G, p.Ser1463Cys (NM_001304482.2); short protein forms S1463C, S1589C.
Identifiers: ClinVar variation 1717205 (VCV001717205.5), dbSNP rs2546261885, ClinGen allele CA352568692.

ClinVar aggregate classification (germline): Uncertain significance (1 of 4 stars; one submission).

Submission:

Labcorp Genetics (formerly Invitae), Labcorp
Classification: Uncertain significance. Last evaluated: 2024-10-22. Review status: criteria provided, single submitter. Criteria: Invitae Variant Classification Sherloc (09022015). Collection method: clinical testing. Allele origin: germline.
Comment: This sequence change replaces serine, which is neutral and polar, with cysteine, which is neutral and slightly polar, at codon 1589 of the PTPN23 protein (p.Ser1589Cys). This variant is not present in population databases (gnomAD no frequency). This variant has not been reported in the literature in individuals affected with PTPN23-related conditions. ClinVar contains an entry for this variant (Variation ID: 1717205). Experimental studies and prediction algorithms are not available or were not evaluated, and the functional significance of this variant is currently unknown. In summary, the available evidence is currently insufficient to determine the role of this variant in disease. Therefore, it has been classified as a Variant of Uncertain Significance.